The following is an entry in ClinVar:

ClinVar aggregate classification (germline): Uncertain significance (1 of 4 stars; one submission).

Conditions:
Congenital muscular dystrophy due to integrin alpha-7 deficiency. Also called: MYOPATHY, CONGENITAL, DUE TO INTEGRIN ALPHA-7 DEFICIENCY; Congenital muscular dystrophy with integrin alpha-7 deficiency; Muscular dystrophy, congenital, due to ITGA7 deficiency. Identifiers: Orphanet 34520, MedGen C2750786, MONDO:0013177, OMIM 613204.

Allele frequency attached by ClinVar (database versions not stated): gnomAD 0.00001 and 0.00002; gnomAD exomes 0.00001; ExAC 0.00002; TOPMed 0.00002; 1000 Genomes Project 0.00020; 1000 Genomes Project 30x 0.00031.
gnomAD v4.1: 11 of 1,614,164 alleles (0.00068%); highest among the groups gnomAD compares: East Asian, 0.0045%; no homozygotes.

Submission:

Labcorp Genetics (formerly Invitae), Labcorp
Classification: Uncertain significance for Congenital muscular dystrophy due to integrin alpha-7 deficiency. Last evaluated: 2023-08-25. Review status: criteria provided, single submitter. Criteria: Invitae Variant Classification Sherloc (09022015). Collection method: clinical testing. Allele origin: germline.
Comment: In summary, the available evidence is currently insufficient to determine the role of this variant in disease. Therefore, it has been classified as a Variant of Uncertain Significance. An algorithm developed to predict the effect of missense changes on protein structure and function (PolyPhen-2) suggests that this variant is likely to be disruptive. ClinVar contains an entry for this variant (Variation ID: 1352666). This variant has not been reported in the literature in individuals affected with ITGA7-related conditions. This variant is present in population databases (rs146411608, gnomAD 0.006%). This sequence change replaces arginine, which is basic and polar, with cysteine, which is neutral and slightly polar, at codon 548 of the ITGA7 protein (p.Arg548Cys).

NM_002206.3(ITGA7):c.1642C>T (p.Arg548Cys)

Gene: ITGA7 (integrin subunit alpha 7; minus strand). Cytogenetic location: 12q13.2.
Variant type: single nucleotide variant.
Coding change: c.1642C>T on transcript NM_002206.3 (MANE Select); coding-DNA position 1642, C replaced by T.
Protein change: p.Arg548Cys; replaces arginine 548 with cysteine.
Molecular consequence: missense variant.
Genome position (GRCh38, 1-based): chr12:55,696,994, G>A on the plus strand (C>T on the coding strand, the complement: ITGA7 is on the minus strand). VCF-style: chr12-55696994-G-A. GRCh37 (hg19) VCF-style: chr12-56090778-G-A.
Other names: c.1654C>T, p.Arg552Cys (NM_001144996.2); c.1363C>T, p.Arg455Cys (NM_001144997.2); c.1315C>T, p.Arg439Cys (NM_001367993.1); c.298C>T, p.Arg100Cys (NM_001367994.1); c.1624C>T, p.Arg542Cys (NM_001374465.1); c.1774C>T, p.Arg592Cys (NM_001410977.1); c.1636C>T, p.Arg546Cys (NM_001414029.1); c.1567C>T, p.Arg523Cys (NM_001414030.1); and 5 more; short protein forms R439C, R455C, R548C, R552C, R100C, R542C, R592C, R523C.
Identifiers: ClinVar variation 1352666 (VCV001352666.6), dbSNP rs146411608, ClinGen allele CA6615871.
Genomic context (GRCh38, chr12:55,696,994, plus strand): 5'-CATGCTGGTGCTTCAGCCACACGGTGCCCGAGGCCTGGTGCTTGGGTTCTTCCAGGTTAC[G>A]GCTCAGGAACGTCACACGGGGAACCTGGCCCCGGAGCCTCCGGTCTGTGTCCGCATCTAA-3'
Protein context (NP_002197.2, residues 538-558): GQVPRVTFLS[Arg548Cys]NLEEPKHQAS